The following is an entry in ClinVar:

ClinVar aggregate classification (germline): Uncertain significance (1 of 4 stars; one submission).

Conditions:
Autosomal recessive nonsyndromic hearing loss 9. Also called: Deafness, autosomal recessive 9; NEUROSENSORY NONSYNDROMIC RECESSIVE DEAFNESS 9; OTOF-Related Hearing Loss; AUDITORY NEUROPATHY, AUTOSOMAL RECESSIVE, 1, TEMPERATURE-SENSITIVE. Identifiers: Orphanet 90636, MedGen C1832828, MONDO:0010986, OMIM 601071.

gnomAD v4.1: 4 of 1,614,230 alleles (0.00025%); highest among the groups gnomAD compares: Non-Finnish European, 0.00034%; no homozygotes.

Submission:

Molecular Genetics, Royal Melbourne Hospital
Classification: Uncertain significance for Autosomal recessive nonsyndromic hearing loss 9. Last evaluated: 2020-11-30. Review status: criteria provided, single submitter. Criteria: ACMG Guidelines, 2015. Collection method: clinical testing. Allele origin: germline. Affected: yes.
Comment: This sequence change is predicted to replace proline with leucine at codon 1552 of the OTOF protein (p.(Pro1552Leu)). The proline residue is evolutionarily conserved (100 vertebrates, UCSC), and is located in the calcium-dependent phospholipid binding C2E domain (PMID: 21216247). There is a moderate physicochemical difference between proline and leucine. The variant is absent in a large population cohort (gnomAD v2.1 and v3.1), and has not been reported in the relevant medical literature or database. The variant has been identified with a second pathogenic allele (phase unknown) in an individual with sensorineural hearing impairment due to auditory neuropathy (Royal Melbourne Hospital). Multiple lines of computational evidence predict a deleterious effect for the missense substitution (5/6 algorithms). Based on the classification scheme RMH Modified ACMG Guidelines v1.3.1, this variant is classified as a VARIANT OF UNCERTAIN SIGNIFICANCE. Following criteria are met: PM2_Supporting, PM3_Supporting, PP3.

Literature cited by the submitters: PubMed 21216247.

NM_194248.3(OTOF):c.4655C>T (p.Pro1552Leu)

Gene: OTOF (otoferlin; minus strand). Cytogenetic location: 2p23.3.
Variant type: single nucleotide variant.
Coding change: c.4655C>T on transcript NM_194248.3 (MANE Select); coding-DNA position 4655, C replaced by T.
Protein change: p.Pro1552Leu; replaces proline 1552 with leucine.
Molecular consequence: missense variant.
Genome position (GRCh38, 1-based): chr2:26,465,816, G>A on the plus strand (C>T on the coding strand, the complement: OTOF is on the minus strand). VCF-style: chr2-26465816-G-A. GRCh37 (hg19) VCF-style: chr2-26688684-G-A.
Other names: c.4655C>T, p.Pro1552Leu (NM_001287489.2); c.2354C>T, p.Pro785Leu (NM_004802.4, NM_194323.3); c.2585C>T, p.Pro862Leu (NM_194322.3); short protein forms P1552L, P785L, P862L.
Identifiers: ClinVar variation 1678642 (VCV001678642.2), dbSNP rs2148027757, ClinGen allele CA346135687.
Genomic context (GRCh38, chr2:26,465,816, plus strand): 5'-AGGTCATCAGTGCCCACCAGGTCCCAGTCATACACAGCCACCGTCAGCATGGATTCCATG[G>A]GGAAGGAGGCCTCGATGTCAAAGGACCTGGTGGGGTGGAGTTAGGAGAAGGGCTTAAGGA-3'
Protein context (NP_919224.1, residues 1542-1562): GKSFDIEASF[Pro1552Leu]MESMLTVAVY